The following is an entry in ClinVar:

NM_139056.4(ADAMTS16):c.2340C>T (p.Asn780=)

Gene: ADAMTS16 (ADAM metallopeptidase with thrombospondin type 1 motif 16; plus strand). Cytogenetic location: 5p15.32.
Variant type: single nucleotide variant.
Coding change: c.2340C>T on transcript NM_139056.4 (MANE Select); coding-DNA position 2340, C replaced by T.
Protein change: p.Asn780=; no amino-acid change (asparagine 780 retained).
Molecular consequence: synonymous variant. On other transcripts: non-coding transcript variant (1).
Genome position (GRCh38, 1-based): chr5:5,239,742, C>T. VCF-style: chr5-5239742-C-T. GRCh37 (hg19) VCF-style: chr5-5239855-C-T.
Identifiers: ClinVar variation 2655284 (VCV002655284.24), dbSNP rs74417218, ClinGen allele CA3189965.

ClinVar aggregate classification (germline): Likely benign (1 of 4 stars; one submission).

Allele frequency attached by ClinVar (database versions not stated): ExAC 0.00029; gnomAD 0.00093; 1000 Genomes Project 30x 0.00109; ESP Exome Variant Server 0.00116; 1000 Genomes Project 0.00120.
gnomAD v4.1: 293 of 1,614,050 alleles (0.018%); highest among the groups gnomAD compares: African/African-American, 0.32%; no homozygotes.

Submission:

CeGaT Center for Human Genetics Tuebingen
Classification: Likely benign. Last evaluated: 2023-05-01. Review status: criteria provided, single submitter. Criteria: CeGaT Center For Human Genetics Tuebingen Variant Classification Criteria Version 2. Collection method: clinical testing. Allele origin: germline. Affected: yes. Observed: 1 variant allele.
Comment: ADAMTS16: BP4, BP7